The following is an entry in ClinVar:

NM_003632.3(CNTNAP1):c.2635C>T (p.Arg879Trp)

Gene: CNTNAP1 (contactin associated protein 1; plus strand). Cytogenetic location: 17q21.2.
Variant type: single nucleotide variant.
Coding change: c.2635C>T on transcript NM_003632.3 (MANE Select); coding-DNA position 2635, C replaced by T.
Protein change: p.Arg879Trp; replaces arginine 879 with tryptophan.
Molecular consequence: missense variant.
Genome position (GRCh38, 1-based): chr17:42,692,603, C>T. VCF-style: chr17-42692603-C-T. GRCh37 (hg19) VCF-style: chr17-40844621-C-T.
Other names: c.2635C>T (NM_003632.2); short protein forms R879W.
Identifiers: ClinVar variation 1979507 (VCV001979507.5), dbSNP rs374737961, ClinGen allele CA8582102.

ClinVar aggregate classification (germline): Uncertain significance. Review status: criteria provided, multiple submitters, no conflicts (2 of 4 stars). 2 submissions from 2 submitters: Uncertain significance (2). Last evaluated 2025-10-02.

Conditions:
Inborn genetic diseases. Identifiers: MedGen C0950123, MeSH D030342.

Allele frequency attached by ClinVar (database versions not stated): gnomAD exomes 0.00002; ExAC 0.00003; TOPMed 0.00003; gnomAD 0.00004; ESP Exome Variant Server 0.00015.
gnomAD v4.1: 29 of 1,614,064 alleles (0.0018%); highest among the groups gnomAD compares: African/African-American, 0.004%; no homozygotes.

Submissions (2):

Ambry Genetics
Classification: Uncertain significance for Inborn genetic diseases. Last evaluated: 2025-10-02. Review status: criteria provided, single submitter. Criteria: Ambry Variant Classification Scheme 2023. Collection method: clinical testing. Allele origin: germline.

Labcorp Genetics (formerly Invitae), Labcorp
Classification: Uncertain significance. Last evaluated: 2022-04-07. Review status: criteria provided, single submitter. Criteria: Invitae Variant Classification Sherloc (09022015). Collection method: clinical testing. Allele origin: germline.
Comment: This sequence change replaces arginine, which is basic and polar, with tryptophan, which is neutral and slightly polar, at codon 879 of the CNTNAP1 protein (p.Arg879Trp). This variant is present in population databases (rs374737961, gnomAD 0.007%). This variant has not been reported in the literature in individuals affected with CNTNAP1-related conditions. Algorithms developed to predict the effect of missense changes on protein structure and function are either unavailable or do not agree on the potential impact of this missense change (SIFT: "Deleterious"; PolyPhen-2: "Benign"; Align-GVGD: "Class C35"). In summary, the available evidence is currently insufficient to determine the role of this variant in disease. Therefore, it has been classified as a Variant of Uncertain Significance.